The following is an entry in ClinVar:

ClinVar aggregate classification (germline): Pathogenic (1 of 4 stars; one submission).

Submission:

GeneDx
Classification: Pathogenic. Last evaluated: 2023-06-28. Review status: criteria provided, single submitter. Criteria: GeneDx Variant Classification Process June 2021. Collection method: clinical testing. Allele origin: germline. Affected: yes.
Comment: Identified in a patient with congenital hyperinsulinism who was also heterozygous for a second variant in ABCC8 (Snider KE et al., 2013); Frameshift variant predicted to result in protein truncation or nonsense mediated decay in a gene for which loss of function is a known mechanism of disease; Not observed at significant frequency in large population cohorts (gnomAD); This variant is associated with the following publications: (PMID: 23275527)

NM_000352.6(ABCC8):c.2139dup (p.Gln714fs)

Gene: ABCC8 (ATP binding cassette subfamily C member 8; minus strand). Cytogenetic location: 11p15.1.
Variant type: Duplication.
Coding change: c.2139dup on transcript NM_000352.6 (MANE Select); coding-DNA position 2139, one base duplicated (G; older notation c.2139dupG).
Protein change: p.Gln714fs; shifts the reading frame from glutamine 714.
Molecular consequence: frameshift variant. On other transcripts: non-coding transcript variant (1).
Genome position (GRCh38, 1-based): chr11:17,427,132, C duplicated on the plus strand (G on the coding strand, the reverse complement: ABCC8 is on the minus strand); the first of 4 consecutive C bases (chr11:17,427,132-17,427,135); duplicating any one gives the same sequence. VCF-style (leftmost placement, unchanged base first): chr11-17427131-G-GC. GRCh37 (hg19) VCF-style: chr11-17448678-G-GC.
Other names: c.2139dup, p.Gln714fs (NM_001287174.3); c.2205dup, p.Gln736fs (NM_001351295.2); c.2136dup, p.Gln713fs (NM_001351296.2, NM_001351297.2); short protein forms Q713fs, Q714fs, Q736fs.
Identifiers: ClinVar variation 3340565 (VCV003340565.1).
Genomic context (GRCh38, chr11:17,427,131, plus strand): 5'-AGACCTTCTGCATCTCCCCCAGTGCGGCTAGAAGGAGCGAGGACTTGCCGCAGCCCACCT[G>GC]CCCCACGATCATAGTCAGCTGGCCTGCAGGGAGGGAGGGTGGCAGATGTGAGTGGGGCCG-3'